The following is an entry in ClinVar:

ClinVar aggregate classification (germline): Benign. Review status: criteria provided, multiple submitters, no conflicts (2 of 4 stars). 6 submissions from 5 submitters: Benign (5). 1 of the submissions does not count toward it. Last evaluated 2021-07-15.

Conditions:
Joubert syndrome 24 (JBTS24). Identifiers: Orphanet 475, MedGen C4084841, MONDO:0014724, OMIM 616654.
Meckel syndrome, type 8. Identifiers: Orphanet 564, MedGen C3836857, MONDO:0013482, OMIM 613885.

Allele frequency attached by ClinVar (database versions not stated): gnomAD exomes 0.41249; ExAC 0.42686; 1000 Genomes Project 0.44549; 1000 Genomes Project 30x 0.45534; gnomAD 0.49786 and 0.50676; TOPMed 0.50598; ESP Exome Variant Server 0.53552.
gnomAD v4.1: 711,800 of 1,590,942 alleles (45%); highest among the groups gnomAD compares: African/African-American, 73%; 168,201 homozygotes.

Submissions (6):

Genome-Nilou Lab
Classification: Benign for Meckel syndrome, type 8. Last evaluated: 2021-07-15. Review status: criteria provided, single submitter. Criteria: ACMG Guidelines, 2015. Collection method: clinical testing. Allele origin: germline. Affected: no.

Genome-Nilou Lab
Classification: Benign for Joubert syndrome 24. Last evaluated: 2021-07-15. Review status: criteria provided, single submitter. Criteria: ACMG Guidelines, 2015. Collection method: clinical testing. Allele origin: germline. Affected: no.

GeneDx
Classification: Benign. Last evaluated: 2018-06-14. Review status: criteria provided, single submitter. Criteria: GeneDx Variant Classification (06012015). Collection method: clinical testing. Allele origin: germline. Affected: yes.
Comment: This variant is considered likely benign or benign based on one or more of the following criteria: it is a conservative change, it occurs at a poorly conserved position in the protein, it is predicted to be benign by multiple in silico algorithms, and/or has population frequency not consistent with disease.

Breakthrough Genomics
Classification: Benign. Review status: criteria provided, single submitter. Criteria: ACMG Guidelines, 2015. Collection method: not provided. Allele origin: germline. Inheritance: Autosomal recessive inheritance. Affected: yes.

PreventionGenetics, part of Exact Sciences
Classification: Benign. Review status: criteria provided, single submitter. Criteria: ACMG Guidelines, 2015. Collection method: clinical testing. Allele origin: germline.

Genetic Services Laboratory, University of Chicago
Classification: Likely benign for AllHighlyPenetrant. Review status: no assertion criteria provided. Collection method: clinical testing. Allele origin: germline. Inheritance: Autosomal recessive inheritance. Observed: 1 variant allele. Not counted in ClinVar's aggregate classification.
Comment: Likely benign based on allele frequency in 1000 Genomes Project or ESP global frequency and its presence in a patient with a rare or unrelated disease phenotype. NOT Sanger confirmed.

NM_024809.5(TCTN2):c.891+22T>C

Gene: TCTN2 (tectonic family member 2; plus strand). Cytogenetic location: 12q24.31.
Variant type: single nucleotide variant.
Coding change: c.891+22T>C on transcript NM_024809.5 (MANE Select); 22 bases into the intron after coding-DNA position 891, T replaced by C.
Molecular consequence: intron variant.
Genome position (GRCh38, 1-based): chr12:123,688,199, T>C. VCF-style: chr12-123688199-T-C. GRCh37 (hg19) VCF-style: chr12-124172746-T-C.
Other names: c.888+22T>C (NM_001143850.3).
Identifiers: ClinVar variation 126293 (VCV000126293.10), dbSNP rs7302449, ClinGen allele CA150972.